The following is an entry in ClinVar:

NM_000059.4(BRCA2):c.998dup (p.His334fs)

Gene: BRCA2 (BRCA2 DNA repair associated; plus strand). Cytogenetic location: 13q13.1.
Variant type: Duplication.
Coding change: c.998dup on transcript NM_000059.4 (MANE Select); coding-DNA position 998, one base duplicated (T; older notation c.998dupT).
Protein change: p.His334fs; shifts the reading frame from histidine 334.
Molecular consequence: frameshift variant.
Genome position (GRCh38, 1-based): chr13:32,332,476, T duplicated; the last of 4 consecutive T bases (chr13:32,332,473-32,332,476); duplicating any one gives the same sequence. VCF-style (leftmost placement, unchanged base first): chr13-32332472-A-AT. GRCh37 (hg19) VCF-style: chr13-32906609-A-AT.
Other names: 1226insT; c.998dupT (NM_000059.3); short protein forms H334fs.
Identifiers: ClinVar variation 38267 (VCV000038267.13), dbSNP rs397507437, ClinGen allele CA026353.

ClinVar aggregate classification (germline): Pathogenic. Review status: reviewed by expert panel (3 of 4 stars). 5 submissions from 5 submitters: Pathogenic (1). 4 of the submissions do not count toward it. Last evaluated 2016-09-08.

Conditions:
BRCA2-related disorder. Also called: BRCA2-related condition; BRCA2-related disorders. Identifiers: MedGen CN239275.
Hereditary breast ovarian cancer syndrome. Also called: Hereditary breast and ovarian cancer; Hereditary breast and ovarian cancer syndrome (HBOC); Hereditary breast and/or ovarian cancer syndrome; Breast and ovarian cancer; Hereditary breast and ovarian cancer syndrome; BRCA1- and BRCA2-Associated Hereditary Breast and Ovarian Cancer. Identifiers: Orphanet 145, MedGen C0677776, MeSH D061325, MONDO:0003582. Disease mechanism: loss of function.
Breast-ovarian cancer, familial, susceptibility to, 2 (BROVCA2). Also called: BRCA2 Hereditary Breast and Ovarian Cancer. Identifiers: Orphanet 145, MedGen C2675520, MONDO:0012933, OMIM 612555. Disease mechanism: loss of function.
Familial cancer of breast. Also called: Hereditary breast cancer; BREAST CANCER, FAMILIAL; hereditary breast carcinoma. Identifiers: Orphanet 227535, MedGen C0346153, MONDO:0016419, OMIM 114480. Disease mechanism: loss of function.

Submissions (5):

Evidence-based Network for the Interpretation of Germline Mutant Alleles (ENIGMA)
Classification: Pathogenic for Breast-ovarian cancer, familial, susceptibility to, 2. Last evaluated: 2016-09-08. Review status: reviewed by expert panel. Criteria: ENIGMA BRCA1/2 Classification Criteria (2015). Collection method: curation. Allele origin: germline.
Comment: Variant allele predicted to encode a truncated non-functional protein.

PreventionGenetics, part of Exact Sciences
Classification: Pathogenic for BRCA2-related condition. Last evaluated: 2023-07-11. Review status: criteria provided, single submitter. Criteria: ACMG Guidelines, 2015. Collection method: clinical testing. Allele origin: germline. Not counted in ClinVar's aggregate classification.
Comment: The BRCA2 c.998dupT variant is predicted to result in a frameshift and premature protein termination (p.His334Profs*2). This variant was reported in an individual with breast cancer (Barnes-Kedar et al. 2018. PubMed ID: 30014164). This variant has not been reported in a large population database, indicating this variant is rare. In ClinVar, this variant has been interpreted as pathogenic by an expert review panel. Frameshift variants in BRCA2 are expected to be pathogenic. This variant is interpreted as pathogenic.

Labcorp Genetics (formerly Invitae), Labcorp
Classification: Pathogenic for Hereditary breast ovarian cancer syndrome. Last evaluated: 2022-05-08. Review status: criteria provided, single submitter. Criteria: Invitae Variant Classification Sherloc (09022015). Collection method: clinical testing. Allele origin: germline. Not counted in ClinVar's aggregate classification.
Comment: For these reasons, this variant has been classified as Pathogenic. ClinVar contains an entry for this variant (Variation ID: 38267). This variant has not been reported in the literature in individuals affected with BRCA2-related conditions. This variant is not present in population databases (gnomAD no frequency). This sequence change creates a premature translational stop signal (p.His334Profs*2) in the BRCA2 gene. It is expected to result in an absent or disrupted protein product. Loss-of-function variants in BRCA2 are known to be pathogenic (PMID: 20104584).

Baylor Genetics
Classification: Pathogenic for Familial cancer of breast. Last evaluated: 2022-03-10. Review status: criteria provided, single submitter. Criteria: ACMG Guidelines, 2015. Collection method: clinical testing. Allele origin: unknown. Not counted in ClinVar's aggregate classification.

Sharing Clinical Reports Project (SCRP)
Classification: Pathogenic for Breast-ovarian cancer, familial 2. Last evaluated: 2011-03-16. Review status: no assertion criteria provided. Collection method: clinical testing. Allele origin: germline. Not counted in ClinVar's aggregate classification.

Literature cited by the submitters: PubMed 20104584 (cited by Labcorp Genetics (formerly Invitae), Labcorp).